The following is an entry in ClinVar:

ClinVar aggregate classification (germline): Pathogenic/Likely pathogenic. Review status: criteria provided, multiple submitters, no conflicts (2 of 4 stars). 6 submissions from 6 submitters: Pathogenic (3); Likely pathogenic (3). Last evaluated 2026-04-30.

Conditions:
Autosomal recessive polycystic kidney disease (ARPKD). Also called: AR polycystic kidney disease. Identifiers: Orphanet 731, Orphanet 8378, MedGen C0085548, MeSH D017044, MONDO:0009889.
PKHD1-related disorder. Also called: PKHD1-related condition.
Polycystic kidney disease 4 (PKD4). Also called: PKD3; Autosomal Recessive Polycystic Kidney Disease – PKHD1; POLYCYSTIC KIDNEY DISEASE 4 WITH OR WITHOUT POLYCYSTIC LIVER DISEASE; POLYCYSTIC KIDNEY AND HEPATIC DISEASE 1; POLYCYSTIC KIDNEY DISEASE, INFANTILE, TYPE I. Identifiers: MedGen C4540575, MONDO:0033004, OMIM 263200.

Submissions (6):

Women's Health and Genetics/Laboratory Corporation of America, LabCorp
Classification: Pathogenic for Autosomal recessive polycystic kidney disease. Last evaluated: 2026-04-30. Review status: criteria provided, single submitter. Criteria: LabCorp Variant Classification Summary - May 2015. Collection method: clinical testing. Allele origin: germline.
Comment: Variant summary: PKHD1 c.4492_4494delinsAG (p.Leu1499X) results in a premature termination codon, predicted to cause a truncation of the encoded protein or absence of the protein due to nonsense mediated decay, which are commonly known mechanisms for disease. The variant allele was found at a frequency of 1.2e-05 in 251064 control chromosomes. c.4492_4494delinsAG has been observed in individual(s) affected with Polycystic Kidney And Hepatic Disease (e.g. Deutsch_2024). To our knowledge, no experimental evidence demonstrating an impact on protein function has been reported. The following publication has been ascertained in the context of this evaluation (PMID: 38868576). ClinVar contains an entry for this variant (Variation ID: 664731). Based on the evidence outlined above, the variant was classified as pathogenic.

PreventionGenetics, part of Exact Sciences
Classification: Pathogenic for PKHD1-related condition. Last evaluated: 2026-04-13. Review status: criteria provided, single submitter. Criteria: ACMG Guidelines, 2015. Collection method: clinical testing. Allele origin: germline.
Comment: The PKHD1 c.4492_4494delinsAG variant is predicted to result in premature protein termination (p.Leu1499*). This variant has been reported with the well-documented pathogenic variant c.107C>T (p.Thr36Met) in an individual with features of nephronophthisis-related ciliopathies (Table S3, Deutsch et al. 2024. PubMed ID: 38868576). This variant has not been reported in a large population database (gnomAD), indicating this variant is rare. Nonsense variants in PKHD1 are expected to be pathogenic. This variant is interpreted as pathogenic.

Natera, Inc.
Classification: Likely pathogenic for Autosomal recessive polycystic kidney disease. Last evaluated: 2025-12-11. Review status: criteria provided, single submitter. Criteria: Natera Variant Classification Schema (03/2026). Collection method: clinical testing. Allele origin: germline.
Comment: The c.4492_4494delTCTinsAG variant in PKHD1 is a frameshift variant predicted to shift the reading frame and introduce a stop codon. This variant is expected to result in nonsense mediated decay, truncation, or a dysfunctional protein product. This variant is rare in the general population with a frequency below the threshold expected for the associated phenotype(s). Given the available evidence, this variant is classified as Likely Pathogenic.

Labcorp Genetics (formerly Invitae), Labcorp
Classification: Pathogenic for Autosomal recessive polycystic kidney disease. Last evaluated: 2024-10-23. Review status: criteria provided, single submitter. Criteria: Invitae Variant Classification Sherloc (09022015). Collection method: clinical testing. Allele origin: germline.
Comment: This sequence change creates a premature translational stop signal (p.Leu1499*) in the PKHD1 gene. It is expected to result in an absent or disrupted protein product. Loss-of-function variants in PKHD1 are known to be pathogenic (PMID: 19940839). This variant is not present in population databases (gnomAD no frequency). This variant has not been reported in the literature in individuals affected with PKHD1-related conditions. For these reasons, this variant has been classified as Pathogenic.

Fulgent Genetics
Classification: Likely pathogenic for Polycystic kidney disease 4. Last evaluated: 2024-01-25. Review status: criteria provided, single submitter. Criteria: ACMG Guidelines, 2015. Collection method: clinical testing. Allele origin: germline.

Baylor Genetics
Classification: Likely pathogenic for Polycystic kidney disease 4. Last evaluated: 2023-10-20. Review status: criteria provided, single submitter. Criteria: ACMG Guidelines, 2015. Collection method: clinical testing. Allele origin: unknown.

Literature cited by the submitters: PubMed 38868576 (cited by Women's Health and Genetics/Laboratory Corporation of America, LabCorp); PubMed 19940839 (cited by Labcorp Genetics (formerly Invitae), Labcorp).

NM_138694.4(PKHD1):c.4492_4494delinsAG (p.Ser1498_Leu1499insTer)

Gene: PKHD1 (PKHD1 ciliary IPT domain containing fibrocystin/polyductin; minus strand). Cytogenetic location: 6p12.2.
Variant type: Indel.
Coding change: c.4492_4494delinsAG on transcript NM_138694.4 (MANE Select); coding-DNA positions 4492 to 4494, TCT replaced by AG.
Protein change: p.Ser1498_Leu1499insTer.
Molecular consequence: frameshift variant.
Genome position (GRCh38, 1-based): chr6:52,025,316-52,025,318, AGA replaced by CT on the plus strand (TCT replaced by AG on the coding strand, the reverse complement: PKHD1 is on the minus strand). VCF-style: chr6-52025316-AGA-CT. GRCh37 (hg19) VCF-style: chr6-51890114-AGA-CT.
Other names: c.4492_4494delinsAG, p.Ser1498_Leu1499insTer (NM_170724.3); c.4492_4494delTCTinsAG (NM_138694.3).
Identifiers: ClinVar variation 664731 (VCV000664731.11), dbSNP rs1581806935, ClinGen allele CA915944273.